The following is an entry in ClinVar:

NM_004618.5(TOP3A):c.230T>A (p.Leu77Gln)

Gene: TOP3A (DNA topoisomerase III alpha; minus strand). Cytogenetic location: 17p11.2.
Variant type: single nucleotide variant.
Coding change: c.230T>A on transcript NM_004618.5 (MANE Select); coding-DNA position 230, T replaced by A.
Protein change: p.Leu77Gln; replaces leucine 77 with glutamine.
Molecular consequence: missense variant.
Genome position (GRCh38, 1-based): chr17:18,308,892, A>T on the plus strand (T>A on the coding strand, the complement: TOP3A is on the minus strand). VCF-style: chr17-18308892-A-T. GRCh37 (hg19) VCF-style: chr17-18212206-A-T.
Other names: c.19T>A, p.Cys7Ser (NM_001320759.2); short protein forms C7S, L77Q.
Identifiers: ClinVar variation 4532404 (VCV004532404.1).

ClinVar aggregate classification (germline): Uncertain significance (1 of 4 stars; one submission).

gnomAD v4.1: 2 of 1,570,034 alleles (0.00013%); highest among the groups gnomAD compares: Non-Finnish European, 0.00017%; no homozygotes.

Submission:

GeneDx
Classification: Uncertain significance. Last evaluated: 2025-05-30. Review status: criteria provided, single submitter. Criteria: GeneDx Variant Classification Process June 2021. Collection method: clinical testing. Allele origin: germline. Affected: yes.
Comment: Not observed at significant frequency in large population cohorts (gnomAD); In silico analysis supports that this missense variant has a deleterious effect on protein structure/function; Has not been previously published as pathogenic or benign to our knowledge